The following is an entry in ClinVar:

NM_001099922.3(ALG13):c.2380GAA[1] (p.Glu795del)

Gene: ALG13 (ALG13 UDP-N-acetylglucosaminyltransferase subunit; plus strand). Cytogenetic location: Xq23.
Variant type: Microsatellite.
Coding change: c.2380GAA[1] on transcript NM_001099922.3 (MANE Select); one copy of the 3-base unit GAA starting at c.2380; the reference has two copies in a row; one copy, 3 bases deleted.
Protein change: p.Glu795del; deletes glutamic acid 795.
Molecular consequence: inframe deletion. On other transcripts: non-coding transcript variant (1).
Genome position (GRCh38, 1-based): chrX:111,730,409-111,730,411, GAA deleted; deleting any 3 consecutive bases within chrX:111,730,406-111,730,411 gives the same sequence; the position shown is the placement nearest the transcript's 3' end. VCF-style (leftmost placement, unchanged base first): chrX-111730405-TGAA-T. GRCh37 (hg19) VCF-style: chrX-110973633-TGAA-T.
Other names: c.2068GAA[1], p.Glu691del (NM_001257230.2, NM_001257234.2, NM_001257237.2); c.2146GAA[1], p.Glu717del (NM_001257231.2); c.2380GAA[1], p.Glu795del (NM_001324292.2); c.1894GAA[1], p.Glu633del (NM_001324293.1); short protein forms E691del, E795del, E633del, E717del.
Identifiers: ClinVar variation 412613 (VCV000412613.57), dbSNP rs772766102, ClinGen allele CA10493877.
Genomic context (GRCh38, chrX:111,730,405, plus strand): 5'-TAAAAAGACCTATATAAACACATTTCTTCTGTCTTGTCTTTTTTCCCCAGGGCGATATCA[TGAA>T]GAATATCTTTATCGTGCAGGTCAGTAAGATCTAGAAGTGATCTGGCATTCATCATTGTTT-3'

ClinVar aggregate classification (germline): Benign/Likely benign. Review status: criteria provided, multiple submitters, no conflicts (2 of 4 stars). 12 submissions from 12 submitters: Benign (3); Likely benign (4). 5 of the submissions do not count toward it. Last evaluated 2026-01-13.

Conditions:
Inborn genetic diseases. Identifiers: MedGen C0950123, MeSH D030342.
ALG13-related disorder. Also called: ALG13-related condition.
Developmental and epileptic encephalopathy, 36 (DEE36). Also called: ALG13-CDG; Epileptic encephalopathy, early infantile, 36; Congenital disorder of glycosylation, type Is. Identifiers: Orphanet 324422, MedGen C4317295, MONDO:0010472, OMIM 300884.

Submissions (12):

Labcorp Genetics (formerly Invitae), Labcorp
Classification: Benign for Developmental and epileptic encephalopathy, 36. Last evaluated: 2026-01-13. Review status: criteria provided, single submitter. Criteria: Invitae Variant Classification Sherloc (09022015). Collection method: clinical testing. Allele origin: germline.

Blueprint Genetics
Classification: Likely benign. Last evaluated: 2024-11-06. Review status: criteria provided, single submitter. Criteria: ACMG Guidelines, 2015. Collection method: clinical testing. Allele origin: germline.

CeGaT Center for Human Genetics Tuebingen
Classification: Likely benign. Last evaluated: 2022-11-01. Review status: criteria provided, single submitter. Criteria: CeGaT Center For Human Genetics Tuebingen Variant Classification Criteria Version 2. Collection method: clinical testing. Allele origin: germline. Affected: yes. Observed: 2 variant alleles.
Comment: ALG13: BS2

GeneDx
Classification: Likely benign. Last evaluated: 2022-09-16. Review status: criteria provided, single submitter. Criteria: GeneDx Variant Classification Process June 2021. Collection method: clinical testing. Allele origin: germline. Affected: yes.
Comment: See Variant Classification Assertion Criteria.

Genome-Nilou Lab
Classification: Benign for Developmental and epileptic encephalopathy, 36. Last evaluated: 2021-12-05. Review status: criteria provided, single submitter. Criteria: ACMG Guidelines, 2015. Collection method: clinical testing. Allele origin: germline. Affected: no.

Athena Diagnostics
Classification: Benign. Last evaluated: 2018-01-03. Review status: criteria provided, single submitter. Criteria: Athena Diagnostics Criteria. Collection method: clinical testing. Allele origin: germline.

Ambry Genetics
Classification: Likely benign for Inborn genetic diseases. Last evaluated: 2017-09-30. Review status: criteria provided, single submitter. Criteria: Ambry Variant Classification Scheme 2023. Collection method: clinical testing. Allele origin: germline.

PreventionGenetics, part of Exact Sciences
Classification: Benign for ALG13-related condition. Last evaluated: 2024-09-25. Review status: no assertion criteria provided. Collection method: clinical testing. Allele origin: germline. Not counted in ClinVar's aggregate classification.
Comment: This variant is classified as benign based on ACMG/AMP sequence variant interpretation guidelines (Richards et al. 2015 PMID: 25741868, with internal and published modifications).

Clinical Genetics DNA and cytogenetics Diagnostics Lab, Erasmus MC, Erasmus Medical Center
Classification: Likely benign. Review status: no assertion criteria provided. Collection method: clinical testing. Allele origin: germline. Affected: yes. Study: VKGL Data-share Consensus. Not counted in ClinVar's aggregate classification.

Diagnostic Laboratory, Department of Genetics, University Medical Center Groningen
Classification: Likely benign. Review status: no assertion criteria provided. Collection method: clinical testing. Allele origin: germline. Affected: yes. Study: VKGL Data-share Consensus. Not counted in ClinVar's aggregate classification.

Genome Diagnostics Laboratory, University Medical Center Utrecht
Classification: Likely benign. Review status: no assertion criteria provided. Collection method: clinical testing. Allele origin: germline. Affected: yes. Study: VKGL Data-share Consensus. Not counted in ClinVar's aggregate classification.

Laboratory of Diagnostic Genome Analysis, Leiden University Medical Center (LUMC)
Classification: Likely benign. Review status: no assertion criteria provided. Collection method: clinical testing. Allele origin: germline. Affected: yes. Study: VKGL Data-share Consensus. Not counted in ClinVar's aggregate classification.